The following is an entry in ClinVar:

NM_024809.5(TCTN2):c.412C>T (p.Leu138Phe)

Gene: TCTN2 (tectonic family member 2; plus strand). Cytogenetic location: 12q24.31.
Variant type: single nucleotide variant.
Coding change: c.412C>T on transcript NM_024809.5 (MANE Select); coding-DNA position 412, C replaced by T.
Protein change: p.Leu138Phe; replaces leucine 138 with phenylalanine.
Molecular consequence: missense variant.
Genome position (GRCh38, 1-based): chr12:123,673,759, C>T. VCF-style: chr12-123673759-C-T. GRCh37 (hg19) VCF-style: chr12-124158306-C-T.
Other names: c.409C>T, p.Leu137Phe (NM_001143850.3); short protein forms L138F, L137F.
Identifiers: ClinVar variation 1506106 (VCV001506106.4), dbSNP rs372053991, ClinGen allele CA6860884.

ClinVar aggregate classification (germline): Uncertain significance. Review status: criteria provided, multiple submitters, no conflicts (2 of 4 stars). 2 submissions from 2 submitters: Uncertain significance (2). Last evaluated 2024-05-23.

Conditions:
Meckel-Gruber syndrome. Also called: DYSENCEPHALIA SPLANCHNOCYSTICA; GRUBER SYNDROME; Dysencephalia splachnocystica. Identifiers: Orphanet 564, MedGen C0265215, MONDO:0018921.
Joubert syndrome. Also called: CEREBELLOPARENCHYMAL DISORDER IV; JOUBERT-BOLTSHAUSER SYNDROME; Familial aplasia of the vermis. Identifiers: Orphanet 475, MedGen C5979921, MONDO:0018772.
Joubert syndrome 24 (JBTS24). Identifiers: Orphanet 475, MedGen C4084841, MONDO:0014724, OMIM 616654.
Meckel syndrome, type 8. Identifiers: Orphanet 564, MedGen C3836857, MONDO:0013482, OMIM 613885.

Allele frequency attached by ClinVar (database versions not stated): ExAC 0.00001; gnomAD exomes 0.00001; gnomAD 0.00003; TOPMed 0.00004; ESP Exome Variant Server 0.00008.
gnomAD v4.1: 14 of 1,614,092 alleles (0.00087%); highest among the groups gnomAD compares: African/African-American, 0.0013%; no homozygotes.

Submissions (2):

Fulgent Genetics
Classification: Uncertain significance for Meckel syndrome, type 8; Joubert syndrome 24. Last evaluated: 2024-05-23. Review status: criteria provided, single submitter. Criteria: ACMG Guidelines, 2015. Collection method: clinical testing. Allele origin: germline.

Labcorp Genetics (formerly Invitae), Labcorp
Classification: Uncertain significance for Joubert syndrome; Meckel-Gruber syndrome. Last evaluated: 2022-06-27. Review status: criteria provided, single submitter. Criteria: Invitae Variant Classification Sherloc (09022015). Collection method: clinical testing. Allele origin: germline.
Comment: This sequence change replaces leucine, which is neutral and non-polar, with phenylalanine, which is neutral and non-polar, at codon 138 of the TCTN2 protein (p.Leu138Phe). This variant is present in population databases (rs372053991, gnomAD 0.002%). This variant has not been reported in the literature in individuals affected with TCTN2-related conditions. Algorithms developed to predict the effect of missense changes on protein structure and function are either unavailable or do not agree on the potential impact of this missense change (SIFT: "Deleterious"; PolyPhen-2: "Probably Damaging"; Align-GVGD: "Class C15"). In summary, the available evidence is currently insufficient to determine the role of this variant in disease. Therefore, it has been classified as a Variant of Uncertain Significance.